The following is an entry in ClinVar:

ClinVar aggregate classification (germline): Uncertain significance (1 of 4 stars; one submission).

Conditions:
Cardiovascular phenotype. Identifiers: MedGen CN230736.

Submission:

Ambry Genetics
Classification: Uncertain significance for Cardiovascular phenotype. Last evaluated: 2023-05-18. Review status: criteria provided, single submitter. Criteria: Ambry Variant Classification Scheme 2023. Collection method: clinical testing. Allele origin: germline.
Comment: The p.E2728A variant (also known as c.8183A>C), located in coding exon 24 of the DSP gene, results from an A to C substitution at nucleotide position 8183. The glutamic acid at codon 2728 is replaced by alanine, an amino acid with dissimilar properties. This amino acid position is conserved. In addition, this alteration is predicted to be deleterious by in silico analysis. Since supporting evidence is limited at this time, the clinical significance of this alteration remains unclear.

NM_004415.4(DSP):c.8183A>C (p.Glu2728Ala)

Gene: DSP (desmoplakin; plus strand). Cytogenetic location: 6p24.3.
Variant type: single nucleotide variant.
Coding change: c.8183A>C on transcript NM_004415.4 (MANE Select); coding-DNA position 8183, A replaced by C.
Protein change: p.Glu2728Ala; replaces glutamic acid 2728 with alanine.
Molecular consequence: missense variant.
Genome position (GRCh38, 1-based): chr6:7,585,445, A>C. VCF-style: chr6-7585445-A-C. GRCh37 (hg19) VCF-style: chr6-7585678-A-C.
Other names: c.6386A>C, p.Glu2129Ala (NM_001008844.3); c.6854A>C, p.Glu2285Ala (NM_001319034.2); short protein forms E2285A, E2129A, E2728A.
Identifiers: ClinVar variation 2567532 (VCV002567532.2), dbSNP rs2533950035, ClinGen allele CA362694619.